The following is an entry in ClinVar:

ClinVar aggregate classification (germline): Uncertain significance (1 of 4 stars; one submission).

Conditions:
Ullrich congenital muscular dystrophy 2 (UCMD2). Identifiers: Orphanet 75840, MedGen C4225314, MONDO:0014654, OMIM 616470.
Bethlem myopathy 2 (BTHLM2). Identifiers: Orphanet 536516, Orphanet 610, MedGen C4225313, MONDO:0034022, OMIM 616471.

gnomAD v4.1: 1 of 1,610,810 alleles (0.000062%); highest among the groups gnomAD compares: Non-Finnish European, 0.000085%; no homozygotes.

Submission:

Labcorp Genetics (formerly Invitae), Labcorp
Classification: Uncertain significance for Bethlem myopathy 2; Ullrich congenital muscular dystrophy 2. Last evaluated: 2024-04-25. Review status: criteria provided, single submitter. Criteria: Invitae Variant Classification Sherloc (09022015). Collection method: clinical testing. Allele origin: germline.
Comment: This sequence change replaces threonine, which is neutral and polar, with isoleucine, which is neutral and non-polar, at codon 71 of the COL12A1 protein (p.Thr71Ile). This variant is not present in population databases (gnomAD no frequency). This variant has not been reported in the literature in individuals affected with COL12A1-related conditions. Advanced modeling of protein sequence and biophysical properties (such as structural, functional, and spatial information, amino acid conservation, physicochemical variation, residue mobility, and thermodynamic stability) performed at Invitae indicates that this missense variant is not expected to disrupt COL12A1 protein function with a negative predictive value of 80%. In summary, the available evidence is currently insufficient to determine the role of this variant in disease. Therefore, it has been classified as a Variant of Uncertain Significance.

NM_004370.6(COL12A1):c.212C>T (p.Thr71Ile)

Gene: COL12A1 (collagen type XII alpha 1 chain; minus strand). Cytogenetic location: 6q13.
Variant type: single nucleotide variant.
Coding change: c.212C>T on transcript NM_004370.6 (MANE Select); coding-DNA position 212, C replaced by T.
Protein change: p.Thr71Ile; replaces threonine 71 with isoleucine.
Molecular consequence: missense variant. On other transcripts: intron variant (2).
Genome position (GRCh38, 1-based): chr6:75,192,334, G>A on the plus strand (C>T on the coding strand, the complement: COL12A1 is on the minus strand). VCF-style: chr6-75192334-G-A. GRCh37 (hg19) VCF-style: chr6-75902050-G-A.
Other names: c.212C>T, p.Thr71Ile (NM_001424113.1, NM_001424114.1, NM_001424115.1); c.73+10386C>T (NM_001424116.1, NM_080645.3); short protein forms T71I.
Identifiers: ClinVar variation 2945557 (VCV002945557.3), dbSNP rs2533617458, ClinGen allele CA364731201.